The following is an entry in ClinVar:

NM_000329.3(RPE65):c.295G>A (p.Val99Ile)

Gene: RPE65 (retinoid isomerohydrolase RPE65; minus strand). Cytogenetic location: 1p31.3.
Variant type: single nucleotide variant.
Coding change: c.295G>A on transcript NM_000329.3 (MANE Select); coding-DNA position 295, G replaced by A.
Protein change: p.Val99Ile; replaces valine 99 with isoleucine.
Molecular consequence: missense variant.
Genome position (GRCh38, 1-based): chr1:68,444,834, C>T on the plus strand (G>A on the coding strand, the complement: RPE65 is on the minus strand). VCF-style: chr1-68444834-C-T. GRCh37 (hg19) VCF-style: chr1-68910517-C-T.
Other names: NM_000329.3(RPE65):c.295G>A; p.Val99Ile; short protein forms V99I.
Identifiers: ClinVar variation 789504 (VCV000789504.19), dbSNP rs143056561, ClinGen allele CA902549.

ClinVar aggregate classification (germline): Likely benign. Review status: reviewed by expert panel (3 of 4 stars). 7 submissions from 6 submitters: Likely benign (1). 6 of the submissions do not count toward it. Last evaluated 2024-02-19.

Conditions:
RPE65-related recessive retinopathy. Also called: Recessive RPE65 retinopathy. Identifiers: MedGen CN305526, MONDO:0100368.
RPE65-related disorder. Also called: RPE65-related disorders; RPE65-related condition. Identifiers: MedGen CN239301.
Retinitis pigmentosa 20 (RP20). Identifiers: Orphanet 791, MedGen C3151086, MONDO:0013425, OMIM 613794.
Leber congenital amaurosis 2 (LCA2). Also called: AMAUROSIS CONGENITA OF LEBER II; Autosomal Recessive RPE65-Related Retinal Degeneration. Identifiers: Orphanet 65, MedGen C1859844, MONDO:0008765, OMIM 204100. Disease mechanism: loss of function.
Leber congenital amaurosis (LCA). Also called: Leber's amaurosis. Identifiers: Orphanet 65, MedGen C0339527, MeSH D057130, MONDO:0018998.
Retinitis pigmentosa (RP). Identifiers: Orphanet 791, MedGen C0035334, MeSH D012174, MONDO:0019200, OMIM 268000. Inheritance: Autosomal dominant, autosomal recessive and X linked inheritance.

Allele frequency attached by ClinVar (database versions not stated): gnomAD exomes 0.00006 and 0.00027; ESP Exome Variant Server 0.00008; gnomAD 0.00009 and 0.00013; TOPMed 0.00018; ExAC 0.00030; 1000 Genomes Project 0.00120; 1000 Genomes Project 30x 0.00125.
gnomAD v4.1: 116 of 1,613,992 alleles (0.0072%); highest among the groups gnomAD compares: East Asian, 0.19%; 3 homozygotes.

Submissions (7):

ClinGen Leber Congenital Amaurosis/early Onset Retinal Dystrophy Variant Curation Expert Panel, ClinGen
Classification: Likely benign for RPE65-related recessive retinopathy. Last evaluated: 2024-02-19. Review status: reviewed by expert panel. Criteria: ClinGen LCAeoRD ACMG Specifications RPE65 V1.0.0. Collection method: curation. Allele origin: germline. Inheritance: Autosomal recessive inheritance.
Comment: NM_000329.3(RPE65):c.295G>A is a missense variant causing substitution of valine with isoleucine at position 99. This variant is present in gnomAD v.2.1.1 at a GrpMax allele frequency of 0.002650, with 68 alleles / 19954 total alleles in the East Asian population (with 2 homozygotes), which is higher than the ClinGen LCA / eoRD VCEP BS1 threshold of >0.0008 (BS1). At least one proband harboring this variant exhibits a phenotype including diagnosis of Leber congenital amaurosis (0.5 pts), extinguished electroretinogram responses from rods (0.5 pts) and cones (1 pt), nystagmus (1 pt), peripheral vision loss and (1 pt). However, the proband lacks the second variant required to apply the PP4 code. This variant has been reported in at least 4 probands with early-onset severe retinal dystrophy who harbored the variant in the heterozygous state (PMID: 21602930). However, the probands were not counted for PM3 because they lacked the second variant required to apply the code. The computational predictor REVEL gives a score of 0.517, which is below the ClinGen LCA / eoRD VCEP threshold of ≥0.644 and does not predict a damaging effect on RPE65 function. Additionally, the splicing impact predictor SpliceAI gives a score of 0.10, which is below the ClinGen LCA / eoRD VCEP recommended threshold of ≥0.2 and does not strongly predict an impact on splicing. In summary, this variant meets the criteria to be classified as likely benign for RPE65-related recessive retinopathy based on the ACMG/AMP criteria applied, as specified by the ClinGen LCA / eoRD VCEP: BS1. (VCEP specifications version 1.0.0; date of approval 09/21/2023).

Labcorp Genetics (formerly Invitae), Labcorp
Classification: Likely benign for Leber congenital amaurosis 2; Retinitis pigmentosa 20. Last evaluated: 2026-01-28. Review status: criteria provided, single submitter. Criteria: Invitae Variant Classification Sherloc (09022015). Collection method: clinical testing. Allele origin: germline. Not counted in ClinVar's aggregate classification.

PreventionGenetics, part of Exact Sciences
Classification: Likely benign for RPE65-related condition. Last evaluated: 2025-10-17. Review status: criteria provided, single submitter. Criteria: ACMG Guidelines, 2015. Collection method: clinical testing. Allele origin: germline. Not counted in ClinVar's aggregate classification.
Comment: This variant is classified as likely benign based on ACMG/AMP sequence variant interpretation guidelines (Richards et al. 2015 PMID: 25741868, with internal and published modifications).

Blueprint Genetics
Classification: Likely benign. Last evaluated: 2024-10-29. Review status: criteria provided, single submitter. Criteria: ACMG Guidelines, 2015. Collection method: clinical testing. Allele origin: germline. Not counted in ClinVar's aggregate classification.

Illumina Laboratory Services, Illumina
Classification: Likely benign for Leber congenital amaurosis 2. Last evaluated: 2017-04-27. Review status: criteria provided, single submitter. Criteria: ICSL Variant Classification Criteria 13 December 2019. Collection method: clinical testing. Allele origin: germline. Not counted in ClinVar's aggregate classification.
Comment: This variant was observed as part of a predisposition screen in an ostensibly healthy population. A literature search was performed for the gene, cDNA change, and amino acid change (where applicable). Publications were found based on this search. The evidence from the literature, in combination with allele frequency data from public databases where available, was sufficient to determine this variant is unlikely to cause disease. Therefore, this variant is classified as likely benign.

Illumina Laboratory Services, Illumina
Classification: Uncertain significance for Retinitis pigmentosa. Last evaluated: 2017-04-27. Review status: criteria provided, single submitter. Criteria: ICSL Variant Classification Criteria 13 December 2019. Collection method: clinical testing. Allele origin: germline. Not counted in ClinVar's aggregate classification.

Natera, Inc.
Classification: Likely benign for Leber congenital amaurosis. Last evaluated: 2020-09-16. Review status: no assertion criteria provided. Collection method: clinical testing. Allele origin: germline. Not counted in ClinVar's aggregate classification.

Literature cited by the submitters: PubMed 21602930 (cited by Illumina Laboratory Services, Illumina).